The following is an entry in ClinVar:

ClinVar aggregate classification (germline): Likely pathogenic (1 of 4 stars; one submission).

Conditions:
Hereditary cancer-predisposing syndrome. Also called: Neoplastic Syndromes, Hereditary; Tumor predisposition; Hereditary neoplastic syndrome; Hereditary Cancer Syndrome. Identifiers: Orphanet 140162, MedGen C0027672, MeSH D009386, MONDO:0015356.

Submission:

Ambry Genetics
Classification: Likely pathogenic for Hereditary cancer-predisposing syndrome. Last evaluated: 2024-02-05. Review status: criteria provided, single submitter. Criteria: Ambry Variant Classification Scheme 2023. Collection method: clinical testing. Allele origin: germline.
Comment: The c.4833_4834insAlu likely pathogenic variant results from the insertion of an Alu element between nucleotides 4833 and 4834 in coding exon 10 of the BRCA2 gene. Mobile element insertions contribute to pathogenicity by either disrupting the coding sequence or inducing aberrant splicing (Belancio VP et al. Semin. Cancer Biol. 2010 Aug;20:200-10; Deininger P et al. Genome Biol. 2011 Dec;12:236; van der Klift HM Hum Mutat. 2012 Jul;33(7):1051-5). Multiple Alu element insertions have been reported in coding exon 10 of the BRCA2 gene (also called Exon 11) (Qian Y et al. Cancer Genet. 2017 Oct;216-217:159-169). Based on the majority of available evidence to date, this variant is likely to be pathogenic.

NM_000059.3:c.4833_4834insALU

Gene: BRCA2 (BRCA2 DNA repair associated; plus strand).
Variant type: Insertion.
Identifiers: ClinVar variation 3227043 (VCV003227043.1).